The following is an entry in ClinVar:

NM_019066.5(MAGEL2):c.637C>T (p.Pro213Ser)

Gene: MAGEL2 (MAGE family member L2; minus strand). Cytogenetic location: 15q11.2.
Variant type: single nucleotide variant.
Coding change: c.637C>T on transcript NM_019066.5 (MANE Select); coding-DNA position 637, C replaced by T.
Protein change: p.Pro213Ser; replaces proline 213 with serine.
Molecular consequence: missense variant.
Genome position (GRCh38, 1-based): chr15:23,647,106, G>A on the plus strand (C>T on the coding strand, the complement: MAGEL2 is on the minus strand). VCF-style: chr15-23647106-G-A. GRCh37 (hg19) VCF-style: chr15-23892253-G-A.
Other names: short protein forms P213S.
Identifiers: ClinVar variation 4732768 (VCV004732768.1).

ClinVar aggregate classification (germline): Uncertain significance (1 of 4 stars; one submission).

gnomAD v4.1: 1 of 1,531,894 alleles (0.000065%); highest among the groups gnomAD compares: East Asian, 0.0025%; no homozygotes.

Submission:

Labcorp Genetics (formerly Invitae), Labcorp
Classification: Uncertain significance. Last evaluated: 2025-12-21. Review status: criteria provided, single submitter. Criteria: Invitae Variant Classification Sherloc (09022015). Collection method: clinical testing. Allele origin: germline.
Comment: This sequence change replaces proline, which is neutral and non-polar, with serine, which is neutral and polar, at codon 213 of the MAGEL2 protein (p.Pro213Ser). This variant is not present in population databases (gnomAD no frequency). This variant has not been reported in the literature in individuals affected with MAGEL2-related conditions. Experimental studies and prediction algorithms are not available or were not evaluated, and the functional significance of this variant is currently unknown. In summary, the available evidence is currently insufficient to determine the role of this variant in disease. Therefore, it has been classified as a Variant of Uncertain Significance.